The following is an entry in ClinVar:

NM_015015.3(KDM4B):c.2022C>T (p.Asn674=)

Gene: KDM4B (lysine demethylase 4B; plus strand). Cytogenetic location: 19p13.3.
Variant type: single nucleotide variant.
Coding change: c.2022C>T on transcript NM_015015.3 (MANE Select); coding-DNA position 2022, C replaced by T.
Protein change: p.Asn674=; no amino-acid change (asparagine 674 retained).
Molecular consequence: synonymous variant.
Genome position (GRCh38, 1-based): chr19:5,133,998, C>T. VCF-style: chr19-5133998-C-T. GRCh37 (hg19) VCF-style: chr19-5134009-C-T.
Other names: c.2124C>T, p.Asn708= (NM_001411148.1).
Identifiers: ClinVar variation 5040902 (VCV005040902.1).

ClinVar aggregate classification (germline): Likely benign (1 of 4 stars; one submission).

gnomAD v4.1: 21 of 1,611,856 alleles (0.0013%); highest among the groups gnomAD compares: Middle Eastern, 0.016%; no homozygotes.

Submission:

CeGaT Center for Human Genetics Tuebingen
Classification: Likely benign. Last evaluated: 2026-09-01. Review status: criteria provided, single submitter. Criteria: CeGaT Center For Human Genetics Tuebingen Variant Classification Criteria Version 2. Collection method: clinical testing. Allele origin: germline. Affected: yes. Observed: 1 variant allele.
Comment: KDM4B: BP4, BP7